The following is an entry in ClinVar:

NM_002878.4(RAD51D):c.828T>C (p.Ile276=)

Genes: RAD51D (RAD51 paralog D; minus strand), RAD51L3-RFFL (RAD51L3-RFFL readthrough; minus strand). Cytogenetic location: 17q12.
Variant type: single nucleotide variant.
Coding change: c.828T>C on transcript NM_002878.4 (MANE Select); coding-DNA position 828, T replaced by C.
Protein change: p.Ile276=; no amino-acid change (isoleucine 276 retained).
Molecular consequence: synonymous variant. On other transcripts: non-coding transcript variant (3).
Genome position (GRCh38, 1-based): chr17:35,101,276, A>G on the plus strand (T>C on the coding strand, the complement: RAD51D is on the minus strand). VCF-style: chr17-35101276-A-G. GRCh37 (hg19) VCF-style: chr17-33428295-A-G.
Other names: c.888T>C, p.Ile296= (NM_001142571.2); c.492T>C, p.Ile164= (NM_133629.3).
Identifiers: ClinVar variation 3903627 (VCV003903627.2).

ClinVar aggregate classification (germline): Benign/Likely benign. Review status: criteria provided, multiple submitters, no conflicts (2 of 4 stars). 2 submissions from 2 submitters: Benign (1); Likely benign (1). Last evaluated 2025-09-11.

Conditions:
Breast-ovarian cancer, familial, susceptibility to, 4. Identifiers: Orphanet 145, MedGen C3280345, MONDO:0013669, OMIM 614291.

Submissions (2):

Labcorp Genetics (formerly Invitae), Labcorp
Classification: Likely benign for Breast-ovarian cancer, familial, susceptibility to, 4. Last evaluated: 2025-09-11. Review status: criteria provided, single submitter. Criteria: Invitae Variant Classification Sherloc (09022015). Collection method: clinical testing. Allele origin: germline.

Myriad Genetics, Inc.
Classification: Benign for Breast-ovarian cancer, familial, susceptibility to, 4. Last evaluated: 2025-02-24. Review status: criteria provided, single submitter. Criteria: Myriad Autosomal Dominant, Autosomal Recessive and X-Linked Classification Criteria (2023). Collection method: clinical testing. Allele origin: unknown.
Comment: This variant is considered benign. This variant is a silent/synonymous amino acid change and it is not expected to impact splicing.